The following is an entry in ClinVar:

ClinVar aggregate classification (germline): Likely benign (1 of 4 stars; one submission).

Allele frequency attached by ClinVar (database versions not stated): ESP Exome Variant Server 0.00153; 1000 Genomes Project 30x 0.00250.

Submission:

CeGaT Center for Human Genetics Tuebingen
Classification: Likely benign. Last evaluated: 2024-07-01. Review status: criteria provided, single submitter. Criteria: CeGaT Center For Human Genetics Tuebingen Variant Classification Criteria Version 2. Collection method: clinical testing. Allele origin: germline. Affected: yes. Observed: 4 variant alleles.
Comment: PLIN4: BP4, BS2

NM_001367868.2(PLIN4):c.1534G>T (p.Val512Leu)

Gene: PLIN4 (perilipin 4; minus strand). Cytogenetic location: 19p13.3.
Variant type: single nucleotide variant.
Coding change: c.1534G>T on transcript NM_001367868.2 (MANE Select); coding-DNA position 1534, G replaced by T.
Protein change: p.Val512Leu; replaces valine 512 with leucine.
Molecular consequence: missense variant.
Genome position (GRCh38, 1-based): chr19:4,512,426, C>A on the plus strand (G>T on the coding strand, the complement: PLIN4 is on the minus strand). VCF-style: chr19-4512426-C-A. GRCh37 (hg19) VCF-style: chr19-4512438-C-A.
Other names: c.1537G>T, p.Val513Leu (NM_001393888.1, NM_001393889.1); c.1534G>T, p.Val512Leu (NM_001393890.1, NM_001393891.1); short protein forms V512L, V513L.
Identifiers: ClinVar variation 2649050 (VCV002649050.24), dbSNP rs61730734, ClinGen allele CA9100652.